The following is an entry in ClinVar:

NM_001256789.3(CACNA1F):c.3797G>A (p.Gly1266Asp)

Gene: CACNA1F (calcium voltage-gated channel subunit alpha1 F; minus strand). Cytogenetic location: Xp11.23.
Variant type: single nucleotide variant.
Coding change: c.3797G>A on transcript NM_001256789.3 (MANE Select); coding-DNA position 3797, G replaced by A.
Protein change: p.Gly1266Asp; replaces glycine 1266 with aspartic acid.
Molecular consequence: missense variant.
Genome position (GRCh38, 1-based): chrX:49,212,990, C>T on the plus strand (G>A on the coding strand, the complement: CACNA1F is on the minus strand). VCF-style: chrX-49212990-C-T. GRCh37 (hg19) VCF-style: chrX-49069450-C-T.
Other names: c.3635G>A, p.Gly1212Asp (NM_001256790.3); c.3830G>A, p.Gly1277Asp (NM_005183.4); short protein forms G1212D, G1266D, G1277D.
Identifiers: ClinVar variation 3605281 (VCV003605281.2).

ClinVar aggregate classification (germline): Uncertain significance (1 of 4 stars; one submission).

gnomAD v4.1: 8 of 1,202,900 alleles (0.00067%); highest among the groups gnomAD compares: Non-Finnish European, 0.00079%; no homozygotes.

Submission:

Labcorp Genetics (formerly Invitae), Labcorp
Classification: Uncertain significance. Last evaluated: 2024-02-17. Review status: criteria provided, single submitter. Criteria: Invitae Variant Classification Sherloc (09022015). Collection method: clinical testing. Allele origin: germline.
Comment: This sequence change replaces glycine, which is neutral and non-polar, with aspartic acid, which is acidic and polar, at codon 1277 of the CACNA1F protein (p.Gly1277Asp). This variant is not present in population databases (gnomAD no frequency). This variant has not been reported in the literature in individuals affected with CACNA1F-related conditions. An algorithm developed to predict the effect of missense changes on protein structure and function (PolyPhen-2) suggests that this variant is likely to be disruptive. In summary, the available evidence is currently insufficient to determine the role of this variant in disease. Therefore, it has been classified as a Variant of Uncertain Significance.